The following is an entry in ClinVar:

NM_013275.6(ANKRD11):c.7147C>T (p.His2383Tyr)

Gene: ANKRD11 (ankyrin repeat domain containing 11; minus strand). Cytogenetic location: 16q24.3.
Variant type: single nucleotide variant.
Coding change: c.7147C>T on transcript NM_013275.6 (MANE Select); coding-DNA position 7147, C replaced by T.
Protein change: p.His2383Tyr; replaces histidine 2383 with tyrosine.
Molecular consequence: missense variant.
Genome position (GRCh38, 1-based): chr16:89,279,395, G>A on the plus strand (C>T on the coding strand, the complement: ANKRD11 is on the minus strand). VCF-style: chr16-89279395-G-A. GRCh37 (hg19) VCF-style: chr16-89345803-G-A.
Other names: c.7147C>T, p.His2383Tyr (NM_001256182.2, NM_001256183.2); short protein forms H2383Y.
Identifiers: ClinVar variation 1326572 (VCV001326572.2), dbSNP rs1320438524, ClinGen allele CA397149185.

ClinVar aggregate classification (germline): Uncertain significance (1 of 4 stars; one submission).

Allele frequency attached by ClinVar (database versions not stated): TOPMed 0.00002.

Submission:

GeneDx
Classification: Uncertain significance. Last evaluated: 2021-11-17. Review status: criteria provided, single submitter. Criteria: GeneDx Variant Classification Process June 2021. Collection method: clinical testing. Allele origin: germline. Affected: yes.
Comment: Not observed at significant frequency in large population cohorts (Lek et al., 2016); In silico analysis supports that this missense variant has a deleterious effect on protein structure/function; Has not been previously published as pathogenic or benign to our knowledge